The following is an entry in ClinVar:

ClinVar aggregate classification (germline): Benign/Likely benign. Review status: criteria provided, multiple submitters, no conflicts (2 of 4 stars). 2 submissions from 2 submitters: Benign (1); Likely benign (1). Last evaluated 2026-05-06.

Conditions:
Telangiectasia, hereditary hemorrhagic, type 2 (HHT2). Also called: Telangiectasia, hereditary hemorrhagic, type II; ACVRL1-Related Hereditary Hemorrhagic Telangiectasia. Identifiers: Orphanet 774, MedGen C1838163, MONDO:0010880, OMIM 600376. Disease mechanism: loss of function.

Allele frequency attached by ClinVar (database versions not stated): gnomAD exomes 0.00004; ExAC 0.00002; TOPMed 0.00002; gnomAD 0.00003.
gnomAD v4.1: 57 of 1,592,936 alleles (0.0036%); highest among the groups gnomAD compares: Non-Finnish European, 0.0042%; no homozygotes.

Submissions (2):

Women's Health and Genetics/Laboratory Corporation of America, LabCorp
Classification: Benign. Last evaluated: 2026-05-06. Review status: criteria provided, single submitter. Criteria: LabCorp Variant Classification Summary - May 2015. Collection method: clinical testing. Allele origin: germline.
Comment: Variant summary: ACVRL1 c.314-16T>C alters a non-conserved nucleotide located at a position not widely known to affect splicing. Consensus agreement among computation tools predict no significant impact on normal splicing. However, these predictions have yet to be confirmed by functional studies. The variant allele was found at a frequency of 3.6e-05 in 1592936 control chromosomes, predominantly at a frequency of 4.2e-05 within the Non-Finnish European subpopulation in the gnomAD database. The observed variant frequency within Non-Finnish European control individuals in the gnomAD database exceeds the estimated maximal expected allele frequency for disease-causing variants in ACVRL1. c.314-16T>C has been observed in at least one individual affected with pulmonary arterial hypertension, without strong evidence of causality (example: Girerd_2016). This report does not provide unequivocal conclusions about association of the variant with Hereditary Hemorrhagic Telangiectasia. To our knowledge, no experimental evidence demonstrating an impact on protein function has been reported. The following publication has been ascertained in the context of this evaluation (PMID: 26699722). ClinVar contains an entry for this variant (Variation ID: 2733110). Based on the evidence outlined above, the variant was classified as benign.

Labcorp Genetics (formerly Invitae), Labcorp
Classification: Likely benign for Telangiectasia, hereditary hemorrhagic, type 2. Last evaluated: 2026-01-26. Review status: criteria provided, single submitter. Criteria: Invitae Variant Classification Sherloc (09022015). Collection method: clinical testing. Allele origin: germline.

Literature cited by the submitters: PubMed 26699722 (cited by Women's Health and Genetics/Laboratory Corporation of America, LabCorp).

NM_000020.3(ACVRL1):c.314-16T>C

Gene: ACVRL1 (activin A receptor like type 1; plus strand). Cytogenetic location: 12q13.13.
Variant type: single nucleotide variant.
Coding change: c.314-16T>C on transcript NM_000020.3 (MANE Select); 16 bases into the intron before coding-DNA position 314, T replaced by C.
Molecular consequence: intron variant.
Genome position (GRCh38, 1-based): chr12:51,913,543, T>C. VCF-style: chr12-51913543-T-C. GRCh37 (hg19) VCF-style: chr12-52307327-T-C.
Other names: c.314-16T>C (NM_001406487.1, NM_001406488.1, NM_001077401.2 and 1 more transcripts); c.313+193T>C (NM_001406491.1, NM_001406490.1, NM_001406492.1 and 2 more transcripts); c.62-896T>C (NM_001406495.1).
Identifiers: ClinVar variation 2733110 (VCV002733110.4), dbSNP rs769597707, ClinGen allele CA6572884.